The following is an entry in ClinVar:

ClinVar aggregate classification (germline): Uncertain significance (1 of 4 stars; one submission).

Submission:

Ambry Genetics
Classification: Uncertain significance. Last evaluated: 2023-04-11. Review status: criteria provided, single submitter. Criteria: Ambry Variant Classification Scheme 2023. Collection method: clinical testing. Allele origin: germline.
Comment: The p.P1971A variant (also known as c.5911C>G), located in coding exon 43 of the PRKDC gene, results from a C to G substitution at nucleotide position 5911. The proline at codon 1971 is replaced by alanine, an amino acid with highly similar properties. This amino acid position is conserved. In addition, the in silico prediction for this alteration is inconclusive. Since supporting evidence is limited at this time, the clinical significance of this alteration remains unclear.

NM_006904.7(PRKDC):c.5911C>G (p.Pro1971Ala)

Gene: PRKDC (protein kinase, DNA-activated, catalytic subunit; minus strand). Cytogenetic location: 8q11.21.
Variant type: single nucleotide variant.
Coding change: c.5911C>G on transcript NM_006904.7 (MANE Select); coding-DNA position 5911, C replaced by G.
Protein change: p.Pro1971Ala; replaces proline 1971 with alanine.
Molecular consequence: missense variant.
Genome position (GRCh38, 1-based): chr8:47,862,381, G>C on the plus strand (C>G on the coding strand, the complement: PRKDC is on the minus strand). VCF-style: chr8-47862381-G-C. GRCh37 (hg19) VCF-style: chr8-48774942-G-C.
Other names: c.5911C>G, p.Pro1971Ala (NM_001081640.2); short protein forms P1971A.
Identifiers: ClinVar variation 2564522 (VCV002564522.2), dbSNP rs1348319468, ClinGen allele CA371162130.